The following is an entry in ClinVar:

ClinVar aggregate classification (germline): Likely pathogenic (1 of 4 stars; one submission).

Conditions:
Telangiectasia, hereditary hemorrhagic, type 2 (HHT2). Also called: Telangiectasia, hereditary hemorrhagic, type II; ACVRL1-Related Hereditary Hemorrhagic Telangiectasia. Identifiers: Orphanet 774, MedGen C1838163, MONDO:0010880, OMIM 600376. Disease mechanism: loss of function.

Submission:

Labcorp Genetics (formerly Invitae), Labcorp
Classification: Likely pathogenic for Telangiectasia, hereditary hemorrhagic, type 2. Last evaluated: 2024-08-27. Review status: criteria provided, single submitter. Criteria: Invitae Variant Classification Sherloc (09022015). Collection method: clinical testing. Allele origin: germline.
Comment: This sequence change replaces threonine, which is neutral and polar, with arginine, which is basic and polar, at codon 197 of the ACVRL1 protein (p.Thr197Arg). This variant is not present in population databases (gnomAD no frequency). This missense change has been observed in individuals with ACVRL1-related conditions (PMID: 30578397; internal data). Invitae Evidence Modeling of protein sequence and biophysical properties (such as structural, functional, and spatial information, amino acid conservation, physicochemical variation, residue mobility, and thermodynamic stability) indicates that this missense variant is expected to disrupt ACVRL1 protein function with a positive predictive value of 95%. In summary, the currently available evidence indicates that the variant is pathogenic, but additional data are needed to prove that conclusively. Therefore, this variant has been classified as Likely Pathogenic.

Literature cited by the submitters: PubMed 30578397.

NM_000020.3(ACVRL1):c.590C>G (p.Thr197Arg)

Gene: ACVRL1 (activin A receptor like type 1; plus strand). Cytogenetic location: 12q13.13.
Variant type: single nucleotide variant.
Coding change: c.590C>G on transcript NM_000020.3 (MANE Select); coding-DNA position 590, C replaced by G.
Protein change: p.Thr197Arg; replaces threonine 197 with arginine.
Molecular consequence: missense variant. On other transcripts: intron variant (6).
Genome position (GRCh38, 1-based): chr12:51,914,038, C>G. VCF-style: chr12-51914038-C-G. GRCh37 (hg19) VCF-style: chr12-52307822-C-G.
Other names: c.590C>G, p.Thr197Arg (NM_001077401.2, NM_001406487.1, NM_001406488.1 and 1 more transcripts); c.314-401C>G (NM_001406491.1, NM_001406490.1, NM_001406492.1 and 2 more transcripts); c.62-401C>G (NM_001406495.1); short protein forms T197R.
Identifiers: ClinVar variation 3709108 (VCV003709108.2).